The following is an entry in ClinVar:

ClinVar aggregate classification (germline): Pathogenic. Review status: criteria provided, multiple submitters, no conflicts (2 of 4 stars). 2 submissions from 2 submitters: Pathogenic (2). Last evaluated 2023-04-01.

Conditions:
Asphyxiating thoracic dystrophy 5 (SRTD5). Also called: SHORT-RIB THORACIC DYSPLASIA 5 WITHOUT POLYDACTYLY; SHORT-RIB THORACIC DYSPLASIA 5 WITH OR WITHOUT POLYDACTYLY. Identifiers: Orphanet 474, MedGen C3280598, MONDO:0013717, OMIM 614376.
Senior-Loken syndrome 8 (SLSN8). Identifiers: Orphanet 3156, MedGen C4225376, MONDO:0014579, OMIM 616307.
Jeune thoracic dystrophy. Also called: Short-rib thoracic dysplasia; Infantile thoracic dystrophy; Thoracic pelvic phalangeal dystrophy; Jeune's syndrome; Chondroectodermal dysplasia-like syndrome; Jeune syndrome. Identifiers: Orphanet 474, MedGen C0265275, MONDO:0018770.

Submissions (2):

Labcorp Genetics (formerly Invitae), Labcorp
Classification: Pathogenic for Senior-Loken syndrome 8; Asphyxiating thoracic dystrophy 5. Last evaluated: 2023-04-01. Review status: criteria provided, single submitter. Criteria: Invitae Variant Classification Sherloc (09022015). Collection method: clinical testing. Allele origin: germline.
Comment: For these reasons, this variant has been classified as Pathogenic. This variant is present in population databases (rs747165335, gnomAD 0.002%). This premature translational stop signal has been observed in individual(s) with skeletal ciliopathy (PMID: 33875766). ClinVar contains an entry for this variant (Variation ID: 558761). This sequence change creates a premature translational stop signal (p.Thr1290Cysfs*14) in the WDR19 gene. It is expected to result in an absent or disrupted protein product. Loss-of-function variants in WDR19 are known to be pathogenic (PMID: 22019273, 23559409, 23683095, 26275793, 27241786, 29068549).

Rare Disease Group, Clinical Genetics, Karolinska Institutet
Classification: Pathogenic for Jeune thoracic dystrophy. Last evaluated: 2018-05-01. Review status: criteria provided, single submitter. Criteria: ACMG Guidelines, 2015. Collection method: research. Allele origin: paternal. Inheritance: Autosomal recessive inheritance. Affected: yes.

Literature cited by the submitters: PubMed 33875766 (cited by Labcorp Genetics (formerly Invitae), Labcorp); PubMed 22019273 (cited by Labcorp Genetics (formerly Invitae), Labcorp); PubMed 23559409 (cited by Labcorp Genetics (formerly Invitae), Labcorp); PubMed 23683095 (cited by Labcorp Genetics (formerly Invitae), Labcorp); PubMed 26275793 (cited by Labcorp Genetics (formerly Invitae), Labcorp); PubMed 27241786 (cited by Labcorp Genetics (formerly Invitae), Labcorp); PubMed 29068549 (cited by Labcorp Genetics (formerly Invitae), Labcorp).

NM_025132.4(WDR19):c.3868_3871del (p.Thr1290fs)

Gene: WDR19 (WD repeat domain 19; plus strand). Cytogenetic location: 4p14.
Variant type: Deletion.
Coding change: c.3868_3871del on transcript NM_025132.4 (MANE Select); coding-DNA positions 3868 to 3871, 4 bases deleted (ACGG; older notation c.3868_3871delACGG).
Protein change: p.Thr1290fs; shifts the reading frame from threonine 1290.
Molecular consequence: frameshift variant.
Genome position (GRCh38, 1-based): chr4:39,278,158-39,278,161, ACGG deleted; deleting any 4 consecutive bases within chr4:39,278,156-39,278,161 gives the same sequence; the c. name uses the placement nearest the transcript's 3' end. VCF-style (leftmost placement, unchanged base first): chr4-39278155-TGGAC-T. GRCh37 (hg19) VCF-style: chr4-39279775-TGGAC-T.
Other names: c.3388_3391del, p.Thr1130fs (NM_001317924.2); short protein forms T1290fs, T1130fs.
Identifiers: ClinVar variation 558761 (VCV000558761.6), dbSNP rs747165335, ClinGen allele CA2892511.
Genomic context (GRCh38, chr4:39,278,155, plus strand): 5'-AAAGATGAATTTAACTCTTAAACATCCTGTTTCCAGGGTCGACACATGTTGAAAGATGAC[TGGAC>T]GGTGTGTCCACATTGTGACTTCCCTGCTCTATACTCAGAATTGAAGATGTAAGTGTGCAT-3'